The following is an entry in ClinVar:

ClinVar aggregate classification (germline): Conflicting classifications of pathogenicity. Review status: criteria provided, conflicting classifications (1 of 4 stars). 2 submissions from 2 submitters: Uncertain significance (1); Likely benign (1). Last evaluated 2026-04-01.

Allele frequency attached by ClinVar (database versions not stated): ExAC 0.00005; TOPMed 0.00006; ESP Exome Variant Server 0.00008; gnomAD 0.00011.
gnomAD v4.1: 119 of 1,613,706 alleles (0.0074%); highest among the groups gnomAD compares: Non-Finnish European, 0.0095%; no homozygotes.

Submissions (2):

CeGaT Center for Human Genetics Tuebingen
Classification: Likely benign. Last evaluated: 2026-04-01. Review status: criteria provided, single submitter. Criteria: CeGaT Center For Human Genetics Tuebingen Variant Classification Criteria Version 2. Collection method: clinical testing. Allele origin: germline. Affected: yes. Observed: 1 variant allele.
Comment: FAT2: BS1

Labcorp Genetics (formerly Invitae), Labcorp
Classification: Uncertain significance. Last evaluated: 2026-01-12. Review status: criteria provided, single submitter. Criteria: Invitae Variant Classification Sherloc (09022015). Collection method: clinical testing. Allele origin: germline.
Comment: This sequence change falls in intron 16 of the FAT2 gene. It does not directly change the encoded amino acid sequence of the FAT2 protein. It affects a nucleotide within the consensus splice site. The frequency data for this variant in the population databases is considered unreliable, as metrics indicate poor data quality at this position in the gnomAD database. This variant has been observed in individual(s) with restless leg syndrome (PMID: 23192925). This variant is also known as IVS17-3C>A. ClinVar contains an entry for this variant (Variation ID: 2734808). Variants that disrupt the consensus splice site are a relatively common cause of aberrant splicing (PMID: 17576681, 9536098). Algorithms developed to predict the effect of sequence changes on RNA splicing suggest that this variant may disrupt the consensus splice site. In summary, the available evidence is currently insufficient to determine the role of this variant in disease. Therefore, it has been classified as a Variant of Uncertain Significance.

Literature cited by the submitters: PubMed 23192925 (cited by Labcorp Genetics (formerly Invitae), Labcorp); PubMed 17576681 (cited by Labcorp Genetics (formerly Invitae), Labcorp); PubMed 9536098 (cited by Labcorp Genetics (formerly Invitae), Labcorp).

NM_001447.3(FAT2):c.10309-3C>A

Genes: FAT2 (FAT atypical cadherin 2; minus strand), SLC36A1 (solute carrier family 36 member 1; plus strand). Cytogenetic location: 5q33.1.
Variant type: single nucleotide variant.
Coding change: c.10309-3C>A on transcript NM_001447.3 (MANE Select); 3 bases into the intron before coding-DNA position 10309, C replaced by A.
Molecular consequence: intron variant.
Genome position (GRCh38, 1-based): chr5:151,525,968, G>T on the plus strand (C>A on the coding strand, the complement: FAT2 is on the minus strand). VCF-style: chr5-151525968-G-T. GRCh37 (hg19) VCF-style: chr5-150905529-G-T.
Identifiers: ClinVar variation 2734808 (VCV002734808.5), dbSNP rs202149437, ClinGen allele CA3520293.